The following is an entry in ClinVar:

NM_177438.3(DICER1):c.3718A>G (p.Asn1240Asp)

Gene: DICER1 (dicer 1, ribonuclease III; minus strand). Cytogenetic location: 14q32.13.
Variant type: single nucleotide variant.
Coding change: c.3718A>G on transcript NM_177438.3 (MANE Select); coding-DNA position 3718, A replaced by G.
Protein change: p.Asn1240Asp; replaces asparagine 1240 with aspartic acid.
Molecular consequence: missense variant. On other transcripts: non-coding transcript variant (6).
Genome position (GRCh38, 1-based): chr14:95,103,678, T>C on the plus strand (A>G on the coding strand, the complement: DICER1 is on the minus strand). VCF-style: chr14-95103678-T-C. GRCh37 (hg19) VCF-style: chr14-95570015-T-C.
Other names: c.3718A>G, p.Asn1240Asp (NM_001195573.1, NM_001271282.3, NM_001291628.2 and 13 more transcripts); c.3436A>G, p.Asn1146Asp (NM_001395686.1); c.3313A>G, p.Asn1105Asp (NM_001395687.1, NM_001395688.1, NM_001395689.1 and 2 more transcripts); c.3151A>G, p.Asn1051Asp (NM_001395691.1); c.2035A>G, p.Asn679Asp (NM_001395697.1); short protein forms N1105D, N1146D, N679D, N1051D, N1240D.
Identifiers: ClinVar variation 2710245 (VCV002710245.3), dbSNP rs2542700826, ClinGen allele CA390874257.

ClinVar aggregate classification (germline): Uncertain significance (1 of 4 stars; one submission).

Conditions:
DICER1-related tumor predisposition. Also called: DICER1 syndrome; DICER1-related pleuropulmonary blastoma cancer predisposition syndrome. Identifiers: Orphanet 284343, MedGen C3839822, MONDO:0100216.

Allele frequency attached by ClinVar (database versions not stated): gnomAD exomes below 0.00001.
gnomAD v4.1: 1 of 1,614,222 alleles (0.000062%); highest among the groups gnomAD compares: Non-Finnish European, 0.000085%; no homozygotes.

Submission:

Labcorp Genetics (formerly Invitae), Labcorp
Classification: Uncertain significance for DICER1-related tumor predisposition. Last evaluated: 2024-10-09. Review status: criteria provided, single submitter. Criteria: Invitae Variant Classification Sherloc (09022015). Collection method: clinical testing. Allele origin: germline.
Comment: This sequence change replaces asparagine, which is neutral and polar, with aspartic acid, which is acidic and polar, at codon 1240 of the DICER1 protein (p.Asn1240Asp). This variant is not present in population databases (gnomAD no frequency). This variant has not been reported in the literature in individuals affected with DICER1-related conditions. Invitae Evidence Modeling of protein sequence and biophysical properties (such as structural, functional, and spatial information, amino acid conservation, physicochemical variation, residue mobility, and thermodynamic stability) indicates that this missense variant is not expected to disrupt DICER1 protein function with a negative predictive value of 95%. In summary, the available evidence is currently insufficient to determine the role of this variant in disease. Therefore, it has been classified as a Variant of Uncertain Significance.